The following is an entry in ClinVar:

ClinVar aggregate classification (germline): Pathogenic (1 of 4 stars; one submission).

Conditions:
Early-infantile DEE. Also called: Early infantile epileptic encephalopathy; Ohtahara syndrome; Early infantile epileptic encephalopathy with suppression bursts. Identifiers: Orphanet 1934, MedGen C0393706, MONDO:0800491.

Submission:

Labcorp Genetics (formerly Invitae), Labcorp
Classification: Pathogenic for Early-infantile DEE. Last evaluated: 2024-05-15. Review status: criteria provided, single submitter. Criteria: Invitae Variant Classification Sherloc (09022015). Collection method: clinical testing. Allele origin: germline.
Comment: This variant, c.4573_4581del, results in the deletion of 3 amino acid(s) of the SCN1A protein (p.Arg1525_Gly1527del), but otherwise preserves the integrity of the reading frame. This variant is not present in population databases (gnomAD no frequency). This variant has been observed in individual(s) with clinical features SCN1A-related conditions (Invitae). In at least one individual the variant was observed to be de novo. ClinVar contains an entry for this variant (Variation ID: 2125276). Experimental studies and prediction algorithms are not available or were not evaluated, and the functional significance of this variant is currently unknown. Algorithms developed to predict the effect of sequence changes on RNA splicing suggest that this variant may disrupt the consensus splice site. This variant disrupts a region of the SCN1A protein in which other variant(s) (p.Pro1526Arg) have been determined to be pathogenic (Invitae). This suggests that this is a clinically significant region of the protein, and that variants that disrupt it are likely to be disease-causing. For these reasons, this variant has been classified as Pathogenic.

NM_001165963.4(SCN1A):c.4573_4581del (p.Arg1525_Gly1527del)

Genes: SCN1A (sodium voltage-gated channel alpha subunit 1; minus strand), LOC102724058 (uncharacterized LOC102724058; plus strand). Cytogenetic location: 2q24.3.
Variant type: Deletion.
Coding change: c.4573_4581del on transcript NM_001165963.4 (MANE Select); coding-DNA positions 4573 to 4581, 9 bases deleted (CGACCAGGA; older notation c.4573_4581delCGACCAGGA).
Protein change: p.Arg1525_Gly1527del.
Molecular consequence: inframe deletion. On other transcripts: non-coding transcript variant (1).
Genome position (GRCh38, 1-based): chr2:165,996,013-165,996,021, TCCTGGTCG deleted on the plus strand (CGACCAGGA on the coding strand, the reverse complement: SCN1A is on the minus strand). VCF-style (leftmost placement, unchanged base first): chr2-165996012-CTCCTGGTCG-C. GRCh37 (hg19) VCF-style: chr2-166852522-CTCCTGGTCG-C.
Other names: c.4489_4497del, p.Arg1497_Gly1499del (NM_001165964.3, NM_001353957.2, NM_001353958.2); c.4573_4581del, p.Arg1525_Gly1527del (NM_001202435.3, NM_001353948.2); c.4540_4548del, p.Arg1514_Gly1516del (NM_001353949.2, NM_001353950.2, NM_001353951.2 and 2 more transcripts); c.4537_4545del, p.Arg1513_Gly1515del (NM_001353954.2, NM_001353955.2); c.4486_4494del, p.Arg1496_Gly1498del (NM_001353960.2); c.2131_2139del, p.Arg711_Gly713del (NM_001353961.2).
Identifiers: ClinVar variation 2125276 (VCV002125276.4), dbSNP rs2468376006, ClinGen allele CA2580064381.